The following is an entry in ClinVar:

NM_000419.5(ITGA2B):c.2578C>T (p.Gln860Ter)

Gene: ITGA2B (integrin subunit alpha 2b; minus strand). Cytogenetic location: 17q21.31.
Variant type: single nucleotide variant.
Coding change: c.2578C>T on transcript NM_000419.5 (MANE Select); coding-DNA position 2578, C replaced by T.
Protein change: p.Gln860Ter; replaces glutamine 860 with a stop codon.
Molecular consequence: nonsense.
Genome position (GRCh38, 1-based): chr17:44,375,856, G>A on the plus strand (C>T on the coding strand, the complement: ITGA2B is on the minus strand). VCF-style: chr17-44375856-G-A. GRCh37 (hg19) VCF-style: chr17-42453224-G-A.
Other names: NM_000419.5:c.2578C>T; short protein forms Q860*.
Identifiers: ClinVar variation 1691486 (VCV001691486.2), dbSNP rs2143437407, ClinGen allele CA399794330.

ClinVar aggregate classification (germline): Pathogenic (3 of 4 stars; one submission).

Conditions:
Glanzmann thrombasthenia. Also called: PLATELET GLYCOPROTEIN IIb-IIIa DEFICIENCY; Glanzmann's thrombasthenia; BLEEDING DISORDER, PLATELET-TYPE, 2; THROMBASTHENIA OF GLANZMANN AND NAEGELI; Thrombasthenia. Identifiers: Orphanet 849, MedGen C0040015, MONDO:0100326.

Submission:

ClinGen Platelet Disorders Variant Curation Expert Panel, ClinGen
Classification: Pathogenic for Glanzmann thrombasthenia. Last evaluated: 2022-04-15. Review status: reviewed by expert panel. Criteria: ClinGen Platelet ACMG Specifications v2-1. Collection method: curation. Allele origin: germline. Inheritance: Autosomal recessive inheritance.
Comment: The NM_000419.5(ITGA2B):c.2578C>T (p.Gln860Ter) nonsense variant in exon 25/30 is predicted to lead to nonsense mediated decay in a gene in which loss-of-function is an established disease mechanism (PVS1). Glanzmann thrombasthenia Patient 6 of PMID: 34267460 is homozygous for this variant (PM3_supporting). This variant is absent from gnomAD v2.1.1 (PM2_Supporting). In summary this variant meets criteria to be classified as Pathogenic for autosomal recessive Glanzmann Thrombasthenia based on the ACMG/AMP criteria applied, as specified by the ClinGen PD VCEP: PVS1, PM2_supporting, PM3_supporting. (VCEP specifications version 2.1)